The following is an entry in ClinVar:

ClinVar aggregate classification (germline): Pathogenic. Review status: criteria provided, single submitter (1 of 4 stars). 3 submissions from 1 submitter: Pathogenic (1). 2 of the submissions do not count toward it. Last evaluated 2024-03-14.

Conditions:
Cranioectodermal dysplasia. Also called: Cranioectoderma; SENSENBRENNER SYNDROME. Identifiers: Orphanet 1515, MedGen C4551571, MONDO:0009032.
Cranioectodermal dysplasia 1 (CED1). Also called: LEVIN SYNDROME I. Identifiers: Orphanet 1515, MedGen C0432235, MONDO:0021093, OMIM 218330.

Submissions (3):

Genomic Medicine Center of Excellence, King Faisal Specialist Hospital and Research Centre
Classification: Pathogenic for Cranioectodermal dysplasia 1. Last evaluated: 2024-03-14. Review status: criteria provided, single submitter. Criteria: ACMG Guidelines, 2015. Collection method: clinical testing. Allele origin: germline.

Genomic Medicine Center of Excellence, King Faisal Specialist Hospital and Research Centre
Classification: Likely pathogenic. Review status: flagged submission. Criteria: ACMG Guidelines, 2015. Collection method: research. Allele origin: germline. Affected: yes. Not counted in ClinVar's aggregate classification.
ClinVar note: Reason: This record appears to be redundant with a more recent record from the same submitter.
ClinVar note: Notes: SCV000221568 appears to be redundant with SCV000322801.

Genomic Medicine Center of Excellence, King Faisal Specialist Hospital and Research Centre
Classification: Pathogenic for Cranioectodermal dysplasia. Review status: flagged submission. Collection method: research. Allele origin: germline. Affected: yes. Observed: 1 homozygote. Not counted in ClinVar's aggregate classification.
ClinVar note: Reason: This record appears to be redundant with a more recent record from the same submitter.
ClinVar note: Notes: SCV000322801 appears to be redundant with SCV005038873.

NM_052989.3(IFT122):c.2375+2T>C

Gene: IFT122 (intraflagellar transport 122; plus strand). Cytogenetic location: 3q22.1.
Variant type: single nucleotide variant.
Coding change: c.2375+2T>C on transcript NM_052989.3 (MANE Select); the canonical splice donor site of the intron after coding-DNA position 2375, T replaced by C.
Molecular consequence: splice donor variant.
Genome position (GRCh38, 1-based): chr3:129,500,070, T>C. VCF-style: chr3-129500070-T-C. GRCh37 (hg19) VCF-style: chr3-129218913-T-C.
Other names: c.1925+2T>C (NM_001280545.2); c.2528+2T>C (NM_052985.4); c.2351+2T>C (NM_001280541.2); c.2375+2T>C (NM_001410808.1); c.2321+2T>C (NM_001410809.1); c.2198+2T>C (NM_001410810.1, NM_018262.4); c.2144+2T>C (NM_001410811.1, NM_001410813.1); c.1748+2T>C (NM_001280546.2); and 2 more.
Identifiers: ClinVar variation 191185 (VCV000191185.2), dbSNP rs786205567, ClinGen allele CA236204.
Genomic context (GRCh38, chr3:129,500,070, plus strand): 5'-TCAGCAGGAGAGCACGTCAAGGCCATCGAGATCTGTGGTGACCATGGCTGGGTTGACATG[T>C]AGGTTTTGGTCCCTGCCCCGAGAAGCATTTGGCAGCATGTCATCACATGTCACCTCTTGA-3'